The following is an entry in ClinVar:

ClinVar aggregate classification (germline): Uncertain significance (1 of 4 stars; one submission).

gnomAD v4.1: 5 of 1,613,928 alleles (0.00031%); highest among the groups gnomAD compares: Admixed American, 0.005%; no homozygotes.

Submission:

GeneDx
Classification: Uncertain significance. Last evaluated: 2026-04-02. Review status: criteria provided, single submitter. Criteria: GeneDx Variant Classification Process June 2021. Collection method: clinical testing. Allele origin: germline.
Comment: In silico analysis suggests that this missense variant does not alter protein structure/function; Has not been previously published as pathogenic or benign to our knowledge

NM_020987.5(ANK3):c.9993A>C (p.Lys3331Asn)

Gene: ANK3 (ankyrin 3; minus strand). Cytogenetic location: 10q21.2.
Variant type: single nucleotide variant.
Coding change: c.9993A>C on transcript NM_020987.5 (MANE Select); coding-DNA position 9993, A replaced by C.
Protein change: p.Lys3331Asn; replaces lysine 3331 with asparagine.
Molecular consequence: missense variant. On other transcripts: intron variant (4).
Genome position (GRCh38, 1-based): chr10:60,070,888, T>G on the plus strand (A>C on the coding strand, the complement: ANK3 is on the minus strand). VCF-style: chr10-60070888-T-G. GRCh37 (hg19) VCF-style: chr10-61830646-T-G.
Other names: c.4388-2879A>C (NM_001204403.2); c.4409-2879A>C (NM_001204404.2); c.4406-2879A>C (NM_001320874.2); c.1808-2879A>C (NM_001149.4); short protein forms K3331N.
Identifiers: ClinVar variation 5018036 (VCV005018036.1).